The following is an entry in ClinVar:

ClinVar aggregate classification (germline): Pathogenic/Likely pathogenic. Review status: criteria provided, multiple submitters, no conflicts (2 of 4 stars). 5 submissions from 5 submitters: Pathogenic (4); Likely pathogenic (1). Last evaluated 2025-12-31.

Conditions:
Hereditary cancer-predisposing syndrome. Also called: Hereditary Cancer Syndrome; Neoplastic Syndromes, Hereditary; Hereditary neoplastic syndrome; Tumor predisposition. Identifiers: Orphanet 140162, MedGen C0027672, MeSH D009386, MONDO:0015356.
Hereditary leiomyomatosis and renal cell cancer. Also called: Familial leiomyomatosis; MULTIPLE CUTANEOUS AND UTERINE LEIOMYOMATA 1, WITH OR WITHOUT RENAL CELL CARCINOMA; FH tumor predisposition syndrome; LEIOMYOMA, MULTIPLE CUTANEOUS; Reed syndrome; Multiple cutaneous and uterine leiomyomatosis. Identifiers: Orphanet 523, MedGen C1708350, MONDO:0007888, OMIM 150800, HP:0007437. Disease mechanism: loss of function.

gnomAD v4.1: 1 of 1,614,106 alleles (0.000062%); highest among the groups gnomAD compares: Non-Finnish European, 0.000085%; no homozygotes.

Submissions (5):

Labcorp Genetics (formerly Invitae), Labcorp
Classification: Pathogenic. Last evaluated: 2025-12-31. Review status: criteria provided, single submitter. Criteria: Invitae Variant Classification Sherloc (09022015). Collection method: clinical testing. Allele origin: germline.
Comment: This sequence change creates a premature translational stop signal (p.Gln376*) in the FH gene. It is expected to result in an absent or disrupted protein product. Loss-of-function variants in FH are known to be pathogenic (PMID: 11865300, 21398687). This variant is not present in population databases (gnomAD no frequency). This premature translational stop signal has been observed in individual(s) with FH tumor predisposition syndrome (PMID: 39160519). ClinVar contains an entry for this variant (Variation ID: 92448). For these reasons, this variant has been classified as Pathogenic.

GeneDx
Classification: Likely pathogenic. Last evaluated: 2022-12-21. Review status: criteria provided, single submitter. Criteria: GeneDx Variant Classification Process June 2021. Collection method: clinical testing. Allele origin: germline. Affected: yes.
Comment: Nonsense variant predicted to result in nonsense mediated decay in a gene for which loss of function is a known mechanism of disease; Not observed at significant frequency in large population cohorts (gnomAD); Has not been previously published as pathogenic or benign to our knowledge

Ambry Genetics
Classification: Pathogenic for Hereditary cancer-predisposing syndrome. Last evaluated: 2020-09-17. Review status: criteria provided, single submitter. Criteria: Ambry Variant Classification Scheme 2023. Collection method: clinical testing. Allele origin: germline.
Comment: The p.Q376* pathogenic mutation (also known as c.1126C>T), located in coding exon 8 of the FH gene, results from a C to T substitution at nucleotide position 1126. This changes the amino acid from a glutamine to a stop codon within coding exon 8. This alteration is expected to result in loss of function by premature protein truncation or nonsense-mediated mRNA decay. As such, this alteration is interpreted as a disease-causing mutation.

Genomic Diagnostic Laboratory, Division of Genomic Diagnostics, Children's Hospital of Philadelphia
Classification: Pathogenic for Hereditary leiomyomatosis and renal cell cancer. Last evaluated: 2017-01-17. Review status: criteria provided, single submitter. Criteria: DGD Variant Analysis Guidelines. Collection method: clinical testing. Allele origin: germline. Affected: yes. Observed: 1 variant allele.
Comment: Clinical Testing

Eurofins Ntd Llc (ga)
Classification: Pathogenic. Last evaluated: 2013-05-17. Review status: criteria provided, single submitter. Criteria: EGL Classification Definitions 2015. Collection method: clinical testing. Allele origin: germline. Observed: 1 variant allele, 1 heterozygote.

Literature cited by the submitters: PubMed 11865300 (cited by Labcorp Genetics (formerly Invitae), Labcorp); PubMed 21398687 (cited by Labcorp Genetics (formerly Invitae), Labcorp); PubMed 39160519 (cited by Labcorp Genetics (formerly Invitae), Labcorp).

NM_000143.4(FH):c.1126C>T (p.Gln376Ter)

Gene: FH (fumarate hydratase; minus strand). Cytogenetic location: 1q43.
Variant type: single nucleotide variant.
Coding change: c.1126C>T on transcript NM_000143.4 (MANE Select); coding-DNA position 1126, C replaced by T.
Protein change: p.Gln376Ter; replaces glutamine 376 with a stop codon.
Molecular consequence: nonsense.
Genome position (GRCh38, 1-based): chr1:241,502,553, G>A on the plus strand (C>T on the coding strand, the complement: FH is on the minus strand). VCF-style: chr1-241502553-G-A. GRCh37 (hg19) VCF-style: chr1-241665853-G-A.
Other names: short protein forms Q376*.
Identifiers: ClinVar variation 92448 (VCV000092448.12), dbSNP rs398123160, ClinGen allele CA220373.